The following is an entry in ClinVar:

ClinVar aggregate classification (germline): Benign/Likely benign. Review status: criteria provided, multiple submitters, no conflicts (2 of 4 stars). 3 submissions from 3 submitters: Benign (1); Likely benign (2). Last evaluated 2026-06-29.

Conditions:
DICER1-related tumor predisposition. Also called: DICER1 syndrome; DICER1-related pleuropulmonary blastoma cancer predisposition syndrome. Identifiers: Orphanet 284343, MedGen C3839822, MONDO:0100216.
Hereditary cancer-predisposing syndrome. Also called: Tumor predisposition; Hereditary Cancer Syndrome; Neoplastic Syndromes, Hereditary; Hereditary neoplastic syndrome. Identifiers: Orphanet 140162, MedGen C0027672, MeSH D009386, MONDO:0015356.

Submissions (3):

Ambry Genetics
Classification: Likely benign for Hereditary cancer-predisposing syndrome. Last evaluated: 2026-06-29. Review status: criteria provided, single submitter. Criteria: Ambry Variant Classification Scheme 2023. Collection method: clinical testing. Allele origin: germline.

Myriad Genetics, Inc.
Classification: Benign for DICER1-related tumor predisposition. Last evaluated: 2026-04-15. Review status: criteria provided, single submitter. Criteria: Myriad Autosomal Dominant, Autosomal Recessive and X-Linked Classification Criteria (2023). Collection method: clinical testing. Allele origin: unknown.
Comment: This variant is considered benign. This variant is a silent/synonymous amino acid change and it is not expected to impact splicing.

Labcorp Genetics (formerly Invitae), Labcorp
Classification: Likely benign for DICER1-related tumor predisposition. Last evaluated: 2018-10-23. Review status: criteria provided, single submitter. Criteria: Invitae Variant Classification Sherloc (09022015). Collection method: clinical testing. Allele origin: germline.

NM_177438.3(DICER1):c.1725C>T (p.Asp575=)

Gene: DICER1 (dicer 1, ribonuclease III; minus strand). Cytogenetic location: 14q32.13.
Variant type: single nucleotide variant.
Coding change: c.1725C>T on transcript NM_177438.3 (MANE Select); coding-DNA position 1725, C replaced by T.
Protein change: p.Asp575=; no amino-acid change (aspartic acid 575 retained).
Molecular consequence: synonymous variant.
Genome position (GRCh38, 1-based): chr14:95,116,480, G>A on the plus strand (C>T on the coding strand, the complement: DICER1 is on the minus strand). VCF-style: chr14-95116480-G-A. GRCh37 (hg19) VCF-style: chr14-95582817-G-A.
Other names: c.1725C>T, p.Asp575= (NM_001195573.1, NM_001271282.3, NM_001291628.2 and 1 more transcripts).
Identifiers: ClinVar variation 793691 (VCV000793691.12), dbSNP rs1060503652, ClinGen allele CA487845082.